The following is an entry in ClinVar:

NM_020919.4(ALS2):c.35A>G (p.Glu12Gly)

Gene: ALS2 (alsin Rho guanine nucleotide exchange factor ALS2; minus strand). Cytogenetic location: 2q33.1.
Variant type: single nucleotide variant.
Coding change: c.35A>G on transcript NM_020919.4 (MANE Select); coding-DNA position 35, A replaced by G.
Protein change: p.Glu12Gly; replaces glutamic acid 12 with glycine.
Molecular consequence: missense variant.
Genome position (GRCh38, 1-based): chr2:201,767,369, T>C on the plus strand (A>G on the coding strand, the complement: ALS2 is on the minus strand). VCF-style: chr2-201767369-T-C. GRCh37 (hg19) VCF-style: chr2-202632092-T-C.
Other names: c.35A>G, p.Glu12Gly (NM_001135745.2); short protein forms E12G.
Identifiers: ClinVar variation 1419046 (VCV001419046.4), dbSNP rs765976513, ClinGen allele CA2058737.

ClinVar aggregate classification (germline): Uncertain significance (1 of 4 stars; one submission).

Conditions:
Infantile-onset ascending hereditary spastic paralysis (IAHSP). Also called: Autosomal Recessive Juvenile Amyotrophic Lateral Sclerosis; Infantile-Onset Ascending Hereditary Spastic Paralysis (IAHSP). Identifiers: Orphanet 293168, MedGen C2931441, MONDO:0011797, OMIM 607225. Disease mechanism: loss of function.

Allele frequency attached by ClinVar (database versions not stated): gnomAD 0.00002; TOPMed 0.00002; ExAC 0.00003; gnomAD exomes 0.00003.

Submission:

Labcorp Genetics (formerly Invitae), Labcorp
Classification: Uncertain significance for Infantile-onset ascending hereditary spastic paralysis. Last evaluated: 2024-01-24. Review status: criteria provided, single submitter. Criteria: Invitae Variant Classification Sherloc (09022015). Collection method: clinical testing. Allele origin: germline.
Comment: This sequence change replaces glutamic acid, which is acidic and polar, with glycine, which is neutral and non-polar, at codon 12 of the ALS2 protein (p.Glu12Gly). This variant is present in population databases (rs765976513, gnomAD 0.006%). This variant has not been reported in the literature in individuals affected with ALS2-related conditions. ClinVar contains an entry for this variant (Variation ID: 1419046). An algorithm developed to predict the effect of missense changes on protein structure and function (PolyPhen-2) suggests that this variant¬†is likely to be tolerated. In summary, the available evidence is currently insufficient to determine the role of this variant in disease. Therefore, it has been classified as a Variant of Uncertain Significance.